The following is an entry in ClinVar:

NM_001378454.1(ALMS1):c.806G>T (p.Arg269Leu)

Gene: ALMS1 (ALMS1 centrosome and basal body associated protein; plus strand). Cytogenetic location: 2p13.1.
Variant type: single nucleotide variant.
Coding change: c.806G>T on transcript NM_001378454.1 (MANE Select); coding-DNA position 806, G replaced by T.
Protein change: p.Arg269Leu; replaces arginine 269 with leucine.
Molecular consequence: missense variant.
Genome position (GRCh38, 1-based): chr2:73,424,471, G>T. VCF-style: chr2-73424471-G-T. GRCh37 (hg19) VCF-style: chr2-73651599-G-T.
Other names: c.809G>T, p.Arg270Leu (NM_015120.4); short protein forms R270L, R269L.
Identifiers: ClinVar variation 4613474 (VCV004613474.1).

ClinVar aggregate classification (germline): Uncertain significance (1 of 4 stars; one submission).

Conditions:
Cardiovascular phenotype. Identifiers: MedGen CN230736.

gnomAD v4.1: 1 of 1,601,534 alleles (0.000062%); highest among the groups gnomAD compares: Non-Finnish European, 0.000085%; no homozygotes.

Submission:

Ambry Genetics
Classification: Uncertain significance for Cardiovascular phenotype. Last evaluated: 2025-11-14. Review status: criteria provided, single submitter. Criteria: Ambry Variant Classification Scheme 2023. Collection method: clinical testing. Allele origin: germline.
Comment: The p.R270L variant (also known as c.809G>T), located in coding exon 5 of the ALMS1 gene, results from a G to T substitution at nucleotide position 809. The arginine at codon 270 is replaced by leucine, an amino acid with dissimilar properties. This amino acid position is highly conserved in available vertebrate species. In addition, this alteration is predicted to be tolerated by in silico analysis. Based on the available evidence, the clinical significance of this variant remains unclear.